The following is an entry in ClinVar:

NM_019109.5(ALG1):c.415G>T (p.Ala139Ser)

Gene: ALG1 (ALG1 chitobiosyldiphosphodolichol beta-mannosyltransferase; plus strand). Cytogenetic location: 16p13.3.
Variant type: single nucleotide variant.
Coding change: c.415G>T on transcript NM_019109.5 (MANE Select); coding-DNA position 415, G replaced by T.
Protein change: p.Ala139Ser; replaces alanine 139 with serine.
Molecular consequence: missense variant.
Genome position (GRCh38, 1-based): chr16:5,075,412, G>T. VCF-style: chr16-5075412-G-T. GRCh37 (hg19) VCF-style: chr16-5125413-G-T.
Other names: c.82G>T, p.Ala28Ser (NM_001330504.2); short protein forms A28S, A139S.
Identifiers: ClinVar variation 2052569 (VCV002052569.2), dbSNP rs1485131873, ClinGen allele CA394680279.

ClinVar aggregate classification (germline): Uncertain significance. Review status: criteria provided, multiple submitters, no conflicts (2 of 4 stars). 2 submissions from 2 submitters: Uncertain significance (2). Last evaluated 2024-04-15.

Conditions:
ALG1-congenital disorder of glycosylation. Also called: CONGENITAL DISORDER OF GLYCOSYLATION, TYPE Ik; CDG Ik; ALG1-CDG. Identifiers: Orphanet 79327, MedGen C2931005, MONDO:0012052, OMIM 608540.

Allele frequency attached by ClinVar (database versions not stated): gnomAD 0.00002; TOPMed 0.00002.
gnomAD v4.1: 18 of 1,614,034 alleles (0.0011%); highest among the groups gnomAD compares: African/African-American, 0.0013%; no homozygotes.

Submissions (2):

Fulgent Genetics
Classification: Uncertain significance for ALG1-congenital disorder of glycosylation. Last evaluated: 2024-04-15. Review status: criteria provided, single submitter. Criteria: ACMG Guidelines, 2015. Collection method: clinical testing. Allele origin: germline.

Labcorp Genetics (formerly Invitae), Labcorp
Classification: Uncertain significance for ALG1-congenital disorder of glycosylation. Last evaluated: 2022-03-27. Review status: criteria provided, single submitter. Criteria: Invitae Variant Classification Sherloc (09022015). Collection method: clinical testing. Allele origin: germline.
Comment: This sequence change replaces alanine, which is neutral and non-polar, with serine, which is neutral and polar, at codon 139 of the ALG1 protein (p.Ala139Ser). This variant is present in population databases (no rsID available, gnomAD 0.002%). This variant has not been reported in the literature in individuals affected with ALG1-related conditions. Advanced modeling of protein sequence and biophysical properties (such as structural, functional, and spatial information, amino acid conservation, physicochemical variation, residue mobility, and thermodynamic stability) performed at Invitae indicates that this missense variant is not expected to disrupt ALG1 protein function. Algorithms developed to predict the effect of sequence changes on RNA splicing suggest that this variant may disrupt the consensus splice site. In summary, the available evidence is currently insufficient to determine the role of this variant in disease. Therefore, it has been classified as a Variant of Uncertain Significance.